The following is an entry in ClinVar:

NM_032520.5(GNPTG):c.818C>T (p.Pro273Leu)

Gene: GNPTG (N-acetylglucosamine-1-phosphate transferase subunit gamma; plus strand). Cytogenetic location: 16p13.3.
Variant type: single nucleotide variant.
Coding change: c.818C>T on transcript NM_032520.5 (MANE Select); coding-DNA position 818, C replaced by T.
Protein change: p.Pro273Leu; replaces proline 273 with leucine.
Molecular consequence: missense variant.
Genome position (GRCh38, 1-based): chr16:1,362,901, C>T. VCF-style: chr16-1362901-C-T. GRCh37 (hg19) VCF-style: chr16-1412902-C-T.
Other names: short protein forms P273L.
Identifiers: ClinVar variation 1375029 (VCV001375029.5), dbSNP rs2065188431, ClinGen allele CA394188818.

ClinVar aggregate classification (germline): Uncertain significance (1 of 4 stars; one submission).

Allele frequency attached by ClinVar (database versions not stated): gnomAD exomes below 0.00001; TOPMed below 0.00001.
gnomAD v4.1: 1 of 1,614,060 alleles (0.000062%); highest among the groups gnomAD compares: Non-Finnish European, 0.000085%; no homozygotes.

Submission:

Labcorp Genetics (formerly Invitae), Labcorp
Classification: Uncertain significance. Last evaluated: 2022-01-14. Review status: criteria provided, single submitter. Criteria: Invitae Variant Classification Sherloc (09022015). Collection method: clinical testing. Allele origin: germline.
Comment: This sequence change replaces proline, which is neutral and non-polar, with leucine, which is neutral and non-polar, at codon 273 of the GNPTG protein (p.Pro273Leu). This variant is not present in population databases (gnomAD no frequency). This variant has not been reported in the literature in individuals affected with GNPTG-related conditions. Algorithms developed to predict the effect of missense changes on protein structure and function (SIFT, PolyPhen-2, Align-GVGD) all suggest that this variant is likely to be tolerated. In summary, the available evidence is currently insufficient to determine the role of this variant in disease. Therefore, it has been classified as a Variant of Uncertain Significance.